The following is an entry in ClinVar:

ClinVar aggregate classification (germline): Benign (0 of 4 stars; one submission).

Conditions:
SRGAP3-related disorder. Also called: SRGAP3-related condition.

Allele frequency attached by ClinVar (database versions not stated): gnomAD exomes 0.01075; ESP Exome Variant Server 0.03060; ExAC 0.03071; gnomAD 0.03787; TOPMed 0.04187; 1000 Genomes Project 0.07049; 1000 Genomes Project 30x 0.07245.
gnomAD v4.1: 22,109 of 1,613,770 alleles (1.4%); highest among the groups gnomAD compares: East Asian, 11%; 855 homozygotes.

Submission:

PreventionGenetics, part of Exact Sciences
Classification: Benign for SRGAP3-related condition. Last evaluated: 2019-07-12. Review status: no assertion criteria provided. Collection method: clinical testing. Allele origin: germline.
Comment: This variant is classified as benign based on ACMG/AMP sequence variant interpretation guidelines (Richards et al. 2015 PMID: 25741868, with internal and published modifications).

NM_014850.4(SRGAP3):c.1408+10C>G

Gene: SRGAP3 (SLIT-ROBO Rho GTPase activating protein 3; minus strand). Cytogenetic location: 3p25.3.
Variant type: single nucleotide variant.
Coding change: c.1408+10C>G on transcript NM_014850.4 (MANE Select); 10 bases into the intron after coding-DNA position 1408, C replaced by G.
Molecular consequence: intron variant.
Genome position (GRCh38, 1-based): chr3:9,047,381, G>C on the plus strand (C>G on the coding strand, the complement: SRGAP3 is on the minus strand). VCF-style: chr3-9047381-G-C. GRCh37 (hg19) VCF-style: chr3-9089065-G-C.
Other names: c.1408+10C>G (NM_001033117.3).
Identifiers: ClinVar variation 3056662 (VCV003056662.2), dbSNP rs2292251, ClinGen allele CA2237855.